The following is an entry in ClinVar:

NM_000048.4(ASL):c.467C>A (p.Pro156Gln)

Gene: ASL (argininosuccinate lyase; plus strand). Cytogenetic location: 7q11.21.
Variant type: single nucleotide variant.
Coding change: c.467C>A on transcript NM_000048.4 (MANE Select); coding-DNA position 467, C replaced by A.
Protein change: p.Pro156Gln; replaces proline 156 with glutamine.
Molecular consequence: missense variant.
Genome position (GRCh38, 1-based): chr7:66,086,605, C>A. VCF-style: chr7-66086605-C-A. GRCh37 (hg19) VCF-style: chr7-65551592-C-A.
Other names: c.467C>A, p.Pro156Gln (NM_001024943.2, NM_001024944.2, NM_001024946.2); short protein forms P156Q.
Identifiers: ClinVar variation 1958571 (VCV001958571.6), dbSNP rs769017508, ClinGen allele CA367641760.

ClinVar aggregate classification (germline): Conflicting classifications of pathogenicity. Review status: criteria provided, conflicting classifications (1 of 4 stars). 2 submissions from 2 submitters: Likely pathogenic (1); Uncertain significance (1). Last evaluated 2025-12-15.

Conditions:
Argininosuccinate lyase deficiency. Also called: ARGININOSUCCINIC ACID LYASE DEFICIENCY; ASL DEFICIENCY; Argininosuccinic aciduria. Identifiers: Orphanet 23, MedGen C0268547, MONDO:0008815, OMIM 207900, HP:0025630.

Submissions (2):

Myriad Genetics, Inc.
Classification: Uncertain significance for Argininosuccinate lyase deficiency. Last evaluated: 2025-12-15. Review status: criteria provided, single submitter. Criteria: Myriad Autosomal Dominant, Autosomal Recessive and X-Linked Classification Criteria (2023). Collection method: clinical testing. Allele origin: unknown.
Comment: NM_001024943.1(ASL):c.467C>A(P156Q) is a missense variant classified as a variant of uncertain significance in the context of argininosuccinic aciduria. P156Q has not been observed in cases with relevant disease. Relevant functional assessments of this variant are not available in the literature. P156Q has not been observed in referenced population frequency databases. In summary, there is insufficient evidence to classify NM_001024943.1(ASL):c.467C>A(P156Q) as pathogenic or benign. Please note: this variant was assessed in the context of healthy population screening.

Labcorp Genetics (formerly Invitae), Labcorp
Classification: Likely pathogenic for Argininosuccinate lyase deficiency. Last evaluated: 2023-09-26. Review status: criteria provided, single submitter. Criteria: Invitae Variant Classification Sherloc (09022015). Collection method: clinical testing. Allele origin: germline.
Comment: ClinVar contains an entry for this variant (Variation ID: 1958571). In summary, the currently available evidence indicates that the variant is pathogenic, but additional data are needed to prove that conclusively. Therefore, this variant has been classified as Likely Pathogenic. This variant disrupts the p.Pro156 amino acid residue in ASL. Other variant(s) that disrupt this residue have been determined to be pathogenic (PMID: 29773863, 31030429). This suggests that this residue is clinically significant, and that variants that disrupt this residue are likely to be disease-causing. Algorithms developed to predict the effect of sequence changes on RNA splicing suggest that this variant may create or strengthen a splice site. Advanced modeling of protein sequence and biophysical properties (such as structural, functional, and spatial information, amino acid conservation, physicochemical variation, residue mobility, and thermodynamic stability) performed at Invitae indicates that this missense variant is expected to disrupt ASL protein function. This variant has not been reported in the literature in individuals affected with ASL-related conditions. This variant is not present in population databases (gnomAD no frequency). This sequence change replaces proline, which is neutral and non-polar, with glutamine, which is neutral and polar, at codon 156 of the ASL protein (p.Pro156Gln).

Literature cited by the submitters: PubMed 29773863 (cited by Labcorp Genetics (formerly Invitae), Labcorp); PubMed 31030429 (cited by Labcorp Genetics (formerly Invitae), Labcorp).